The following is an entry in ClinVar:

ClinVar aggregate classification (germline): Uncertain significance (1 of 4 stars; one submission).

Submission:

Labcorp Genetics (formerly Invitae), Labcorp
Classification: Uncertain significance. Last evaluated: 2023-08-27. Review status: criteria provided, single submitter. Criteria: Invitae Variant Classification Sherloc (09022015). Collection method: clinical testing. Allele origin: germline.
Comment: Advanced modeling of protein sequence and biophysical properties (such as structural, functional, and spatial information, amino acid conservation, physicochemical variation, residue mobility, and thermodynamic stability) performed at Invitae indicates that this missense variant is expected to disrupt WFS1 protein function. In summary, the available evidence is currently insufficient to determine the role of this variant in disease. Therefore, it has been classified as a Variant of Uncertain Significance. This variant has not been reported in the literature in individuals affected with WFS1-related conditions. This sequence change replaces glycine, which is neutral and non-polar, with alanine, which is neutral and non-polar, at codon 831 of the WFS1 protein (p.Gly831Ala). This variant is not present in population databases (gnomAD no frequency).

NM_006005.3(WFS1):c.2492G>C (p.Gly831Ala)

Gene: WFS1 (wolframin ER transmembrane glycoprotein; plus strand). Cytogenetic location: 4p16.1.
Variant type: single nucleotide variant.
Coding change: c.2492G>C on transcript NM_006005.3 (MANE Select); coding-DNA position 2492, G replaced by C.
Protein change: p.Gly831Ala; replaces glycine 831 with alanine.
Molecular consequence: missense variant.
Genome position (GRCh38, 1-based): chr4:6,302,287, G>C. VCF-style: chr4-6302287-G-C. GRCh37 (hg19) VCF-style: chr4-6304014-G-C.
Other names: c.2492G>C, p.Gly831Ala (NM_001145853.1); short protein forms G831A.
Identifiers: ClinVar variation 2734649 (VCV002734649.3), dbSNP rs28937895, ClinGen allele CA320333.